The following is an entry in ClinVar:

NM_177438.3(DICER1):c.2783A>C (p.Gln928Pro)

Gene: DICER1 (dicer 1, ribonuclease III; minus strand). Cytogenetic location: 14q32.13.
Variant type: single nucleotide variant.
Coding change: c.2783A>C on transcript NM_177438.3 (MANE Select); coding-DNA position 2783, A replaced by C.
Protein change: p.Gln928Pro; replaces glutamine 928 with proline.
Molecular consequence: missense variant. On other transcripts: non-coding transcript variant (6).
Genome position (GRCh38, 1-based): chr14:95,107,629, T>G on the plus strand (A>C on the coding strand, the complement: DICER1 is on the minus strand). VCF-style: chr14-95107629-T-G. GRCh37 (hg19) VCF-style: chr14-95573966-T-G.
Other names: c.2783A>C, p.Gln928Pro (NM_001291628.2, NM_001395677.1, NM_001395678.1 and 12 more transcripts); c.2501A>C, p.Gln834Pro (NM_001395686.1); c.2378A>C, p.Gln793Pro (NM_001395687.1, NM_001395688.1, NM_001395689.1 and 2 more transcripts); c.2216A>C, p.Gln739Pro (NM_001395691.1); c.1100A>C, p.Gln367Pro (NM_001395697.1); short protein forms Q834P, Q928P, Q367P, Q793P, Q739P.
Identifiers: ClinVar variation 4746819 (VCV004746819.1).

ClinVar aggregate classification (germline): Uncertain significance (1 of 4 stars; one submission).

Conditions:
DICER1-related tumor predisposition. Also called: DICER1-related pleuropulmonary blastoma cancer predisposition syndrome; DICER1 syndrome. Identifiers: Orphanet 284343, MedGen C3839822, MONDO:0100216.

Submission:

Labcorp Genetics (formerly Invitae), Labcorp
Classification: Uncertain significance for DICER1-related tumor predisposition. Last evaluated: 2025-02-26. Review status: criteria provided, single submitter. Criteria: Invitae Variant Classification Sherloc (09022015). Collection method: clinical testing. Allele origin: germline.
Comment: This sequence change replaces glutamine, which is neutral and polar, with proline, which is neutral and non-polar, at codon 928 of the DICER1 protein (p.Gln928Pro). This variant is not present in population databases (gnomAD no frequency). This variant has not been reported in the literature in individuals affected with DICER1-related conditions. Invitae Evidence Modeling of protein sequence and biophysical properties (such as structural, functional, and spatial information, amino acid conservation, physicochemical variation, residue mobility, and thermodynamic stability) indicates that this missense variant is not expected to disrupt DICER1 protein function with a negative predictive value of 95%. In summary, the available evidence is currently insufficient to determine the role of this variant in disease. Therefore, it has been classified as a Variant of Uncertain Significance.